The following is an entry in ClinVar:

NM_020884.7(MYH7B):c.3415G>A (p.Val1139Met)

Gene: MYH7B (myosin heavy chain 7B; plus strand). Cytogenetic location: 20q11.22.
Variant type: single nucleotide variant.
Coding change: c.3415G>A on transcript NM_020884.7 (MANE Select); coding-DNA position 3415, G replaced by A.
Protein change: p.Val1139Met; replaces valine 1139 with methionine.
Molecular consequence: missense variant.
Genome position (GRCh38, 1-based): chr20:34,997,308, G>A. VCF-style: chr20-34997308-G-A. GRCh37 (hg19) VCF-style: chr20-33585111-G-A.
Other names: short protein forms V1139M.
Identifiers: ClinVar variation 3711457 (VCV003711457.2).
Genomic context (GRCh38, chr20:34,997,308, plus strand): 5'-CAGGCTCGGGCGGAGGAGCTGGAAGAGGAGCTGGAGGCAGAGCGGGCAGCCCGGGCCCGC[G>A]TGGAGAAGCAGCGTGCAGAGGCGGCGCGGGAGCTGGAGGAGCTGAGCGAGCGGCTGGAGG-3'
Protein context (NP_065935.4, residues 1129-1149): LEAERAARAR[Val1139Met]EKQRAEAARE

ClinVar aggregate classification (germline): Uncertain significance (1 of 4 stars; one submission).

gnomAD v4.1: 43 of 1,553,138 alleles (0.0028%); highest among the groups gnomAD compares: African/African-American, 0.027%; no homozygotes.

Submission:

Labcorp Genetics (formerly Invitae), Labcorp
Classification: Uncertain significance. Last evaluated: 2024-07-10. Review status: criteria provided, single submitter. Criteria: Invitae Variant Classification Sherloc (09022015). Collection method: clinical testing. Allele origin: germline.
Comment: This sequence change replaces valine, which is neutral and non-polar, with methionine, which is neutral and non-polar, at codon 1181 of the MYH7B protein (p.Val1181Met). The frequency data for this variant in the population databases is considered unreliable, as metrics indicate poor data quality at this position in the gnomAD database. This variant has not been reported in the literature in individuals affected with MYH7B-related conditions. Advanced modeling of protein sequence and biophysical properties (such as structural, functional, and spatial information, amino acid conservation, physicochemical variation, residue mobility, and thermodynamic stability) performed at Invitae indicates that this missense variant is not expected to disrupt MYH7B protein function with a negative predictive value of 80%. In summary, the available evidence is currently insufficient to determine the role of this variant in disease. Therefore, it has been classified as a Variant of Uncertain Significance.